The following is an entry in ClinVar:

NM_001183.6(ATP6AP1):c.494G>A (p.Arg165Gln)

Gene: ATP6AP1 (ATPase H+ transporting accessory protein 1; plus strand). Cytogenetic location: Xq28.
Variant type: single nucleotide variant.
Coding change: c.494G>A on transcript NM_001183.6 (MANE Select); coding-DNA position 494, G replaced by A.
Protein change: p.Arg165Gln; replaces arginine 165 with glutamine.
Molecular consequence: missense variant.
Genome position (GRCh38, 1-based): chrX:154,432,396, G>A. VCF-style: chrX-154432396-G-A. GRCh37 (hg19) VCF-style: chrX-153660742-G-A.
Other names: short protein forms R165Q.
Identifiers: ClinVar variation 1415656 (VCV001415656.8), dbSNP rs782107550, ClinGen allele CA10562625.
Genomic context (GRCh38, chrX:154,432,396, plus strand): 5'-CCACTTACCTGCAGGAGAAGCTCGGGGCCAGCCCCTTGCATGTGGACCTGGCCACCCTGC[G>A]GGAGCTGAAGCTCAATGCCAGCCTCCCTGCTCTGCTGCTCATTCGCCTGCCCTACACAGC-3'
Protein context (NP_001174.2, residues 155-175): SPLHVDLATL[Arg165Gln]ELKLNASLPA

ClinVar aggregate classification (germline): Uncertain significance (1 of 4 stars; one submission).

Allele frequency attached by ClinVar (database versions not stated): gnomAD 0.00002; ExAC 0.00003; gnomAD exomes 0.00003; TOPMed 0.00003.
gnomAD v4.1: 131 of 1,206,947 alleles (0.011%); highest among the groups gnomAD compares: Non-Finnish European, 0.014%; no homozygotes.

Submission:

Labcorp Genetics (formerly Invitae), Labcorp
Classification: Uncertain significance. Last evaluated: 2025-03-05. Review status: criteria provided, single submitter. Criteria: Invitae Variant Classification Sherloc (09022015). Collection method: clinical testing. Allele origin: germline.
Comment: This sequence change replaces arginine, which is basic and polar, with glutamine, which is neutral and polar, at codon 165 of the ATP6AP1 protein (p.Arg165Gln). This variant is present in population databases (rs782107550, gnomAD 0.007%), including at least one homozygous and/or hemizygous individual. This variant has not been reported in the literature in individuals affected with ATP6AP1-related conditions. ClinVar contains an entry for this variant (Variation ID: 1415656). Invitae Evidence Modeling of protein sequence and biophysical properties (such as structural, functional, and spatial information, amino acid conservation, physicochemical variation, residue mobility, and thermodynamic stability) indicates that this missense variant is not expected to disrupt ATP6AP1 protein function with a negative predictive value of 80%. In summary, the available evidence is currently insufficient to determine the role of this variant in disease. Therefore, it has been classified as a Variant of Uncertain Significance.